The following is an entry in ClinVar:

ClinVar aggregate classification (germline): Uncertain significance (1 of 4 stars; one submission).

Conditions:
EGFR-related lung cancer (EGFR). Identifiers: MedGen CN130014.

Allele frequency attached by ClinVar (database versions not stated): gnomAD exomes below 0.00001.
gnomAD v4.1: 2 of 1,614,226 alleles (0.00012%); highest among the groups gnomAD compares: Non-Finnish European, 0.00017%; no homozygotes.

Submission:

Labcorp Genetics (formerly Invitae), Labcorp
Classification: Uncertain significance for EGFR-related lung cancer. Last evaluated: 2022-10-31. Review status: criteria provided, single submitter. Criteria: Invitae Variant Classification Sherloc (09022015). Collection method: clinical testing. Allele origin: germline.
Comment: In summary, the available evidence is currently insufficient to determine the role of this variant in disease. Therefore, it has been classified as a Variant of Uncertain Significance. Advanced modeling of protein sequence and biophysical properties (such as structural, functional, and spatial information, amino acid conservation, physicochemical variation, residue mobility, and thermodynamic stability) performed at Invitae indicates that this missense variant is not expected to disrupt EGFR protein function. This variant has not been reported in the literature in individuals affected with EGFR-related conditions. This variant is not present in population databases (gnomAD no frequency). This sequence change replaces isoleucine, which is neutral and non-polar, with threonine, which is neutral and polar, at codon 890 of the EGFR protein (p.Ile890Thr).

NM_005228.5(EGFR):c.2669T>C (p.Ile890Thr)

Gene: EGFR (epidermal growth factor receptor; plus strand). Cytogenetic location: 7p11.2.
Variant type: single nucleotide variant.
Coding change: c.2669T>C on transcript NM_005228.5 (MANE Select); coding-DNA position 2669, T replaced by C.
Protein change: p.Ile890Thr; replaces isoleucine 890 with threonine.
Molecular consequence: missense variant.
Genome position (GRCh38, 1-based): chr7:55,192,809, T>C. VCF-style: chr7-55192809-T-C. GRCh37 (hg19) VCF-style: chr7-55260502-T-C.
Other names: c.2534T>C, p.Ile845Thr (NM_001346897.2, NM_001346899.2); c.2669T>C, p.Ile890Thr (NM_001346898.2); c.2510T>C, p.Ile837Thr (NM_001346900.2); c.1868T>C, p.Ile623Thr (NM_001346941.2); short protein forms I845T, I837T, I623T, I890T.
Identifiers: ClinVar variation 2907177 (VCV002907177.3), dbSNP rs2128965546, ClinGen allele CA367580874.